The following is an entry in ClinVar:

NM_001128840.3(CACNA1D):c.5759G>C (p.Arg1920Thr)

Gene: CACNA1D (calcium voltage-gated channel subunit alpha1 D; plus strand). Cytogenetic location: 3p21.1.
Variant type: single nucleotide variant.
Coding change: c.5759G>C on transcript NM_001128840.3 (MANE Select); coding-DNA position 5759, G replaced by C.
Protein change: p.Arg1920Thr; replaces arginine 1920 with threonine.
Molecular consequence: missense variant.
Genome position (GRCh38, 1-based): chr3:53,808,658, G>C. VCF-style: chr3-53808658-G-C. GRCh37 (hg19) VCF-style: chr3-53842685-G-C.
Other names: c.5819G>C, p.Arg1940Thr (NM_000720.4); c.5687G>C, p.Arg1896Thr (NM_001128839.3); short protein forms R1940T, R1896T, R1920T.
Identifiers: ClinVar variation 2988917 (VCV002988917.3), dbSNP rs765406325, ClinGen allele CA2455262.

ClinVar aggregate classification (germline): Uncertain significance (1 of 4 stars; one submission).

Allele frequency attached by ClinVar (database versions not stated): gnomAD 0.00001; gnomAD exomes 0.00003; ExAC 0.00001; TOPMed 0.00001.
gnomAD v4.1: 50 of 1,608,306 alleles (0.0031%); highest among the groups gnomAD compares: Non-Finnish European, 0.0042%; no homozygotes.

Submission:

Labcorp Genetics (formerly Invitae), Labcorp
Classification: Uncertain significance. Last evaluated: 2025-08-25. Review status: criteria provided, single submitter. Criteria: Invitae Variant Classification Sherloc (09022015). Collection method: clinical testing. Allele origin: germline.
Comment: This sequence change replaces arginine, which is basic and polar, with threonine, which is neutral and polar, at codon 1940 of the CACNA1D protein (p.Arg1940Thr). This variant is present in population databases (rs765406325, gnomAD 0.002%). This variant has not been reported in the literature in individuals affected with CACNA1D-related conditions. ClinVar contains an entry for this variant (Variation ID: 2988917). An algorithm developed to predict the effect of missense changes on protein structure and function (PolyPhen-2) suggests that this variant is likely to be tolerated. In summary, the available evidence is currently insufficient to determine the role of this variant in disease. Therefore, it has been classified as a Variant of Uncertain Significance.